The following is an entry in ClinVar:

NM_001377.3(DYNC2H1):c.4491+1G>A

Gene: DYNC2H1 (dynein cytoplasmic 2 heavy chain 1; plus strand). Cytogenetic location: 11q22.3.
Variant type: single nucleotide variant.
Coding change: c.4491+1G>A on transcript NM_001377.3 (MANE Select); the canonical splice donor site of the intron after coding-DNA position 4491, G replaced by A.
Molecular consequence: splice donor variant.
Genome position (GRCh38, 1-based): chr11:103,161,045, G>A. VCF-style: chr11-103161045-G-A. GRCh37 (hg19) VCF-style: chr11-103031774-G-A.
Other names: c.4491+1G>A (NM_001080463.2).
Identifiers: ClinVar variation 2832730 (VCV002832730.3), dbSNP rs371940982, ClinGen allele CA6253563.

ClinVar aggregate classification (germline): Likely pathogenic (1 of 4 stars; one submission).

Conditions:
Jeune thoracic dystrophy. Also called: Jeune syndrome; Infantile thoracic dystrophy; Thoracic pelvic phalangeal dystrophy; Jeune's syndrome; Chondroectodermal dysplasia-like syndrome; Short-rib thoracic dysplasia. Identifiers: Orphanet 474, MedGen C0265275, MONDO:0018770.

Allele frequency attached by ClinVar (database versions not stated): ExAC 0.00004; ESP Exome Variant Server 0.00009.

Submission:

Labcorp Genetics (formerly Invitae), Labcorp
Classification: Likely pathogenic for Jeune thoracic dystrophy. Last evaluated: 2023-10-12. Review status: criteria provided, single submitter. Criteria: Invitae Variant Classification Sherloc (09022015). Collection method: clinical testing. Allele origin: germline.
Comment: This sequence change affects a donor splice site in intron 29 of the DYNC2H1 gene. It is expected to disrupt RNA splicing. Variants that disrupt the donor or acceptor splice site typically lead to a loss of protein function (PMID: 16199547), and loss-of-function variants in DYNC2H1 are known to be pathogenic (PMID: 23339108, 32753734, 33755199). The frequency data for this variant in the population databases is considered unreliable, as metrics indicate poor data quality at this position in the gnomAD database. This variant has not been reported in the literature in individuals affected with DYNC2H1-related conditions. Algorithms developed to predict the effect of sequence changes on RNA splicing suggest that this variant may disrupt the consensus splice site. In summary, the currently available evidence indicates that the variant is pathogenic, but additional data are needed to prove that conclusively. Therefore, this variant has been classified as Likely Pathogenic.

Literature cited by the submitters: PubMed 16199547; PubMed 23339108; PubMed 32753734; PubMed 33755199.